The following is an entry in ClinVar:

ClinVar aggregate classification (germline): Benign/Likely benign. Review status: criteria provided, multiple submitters, no conflicts (2 of 4 stars). 3 submissions from 3 submitters: Benign (1); Likely benign (2). Last evaluated 2025-11-03.

Conditions:
Cardiovascular phenotype. Identifiers: MedGen CN230736.
Dilated cardiomyopathy 1KK (CMD1KK). Identifiers: Orphanet 154, Orphanet 75249, MedGen C3714995, MONDO:0014100, OMIM 615248.

Allele frequency attached by ClinVar (database versions not stated): gnomAD 0.00001; TOPMed 0.00001; ExAC 0.00006; gnomAD exomes 0.00008.
gnomAD v4.1: 48 of 1,613,996 alleles (0.003%); highest among the groups gnomAD compares: South Asian, 0.052%; 1 homozygote.

Submissions (3):

Labcorp Genetics (formerly Invitae), Labcorp
Classification: Benign for Dilated cardiomyopathy 1KK. Last evaluated: 2025-11-03. Review status: criteria provided, single submitter. Criteria: Invitae Variant Classification Sherloc (09022015). Collection method: clinical testing. Allele origin: germline.

Ambry Genetics
Classification: Likely benign for Cardiovascular phenotype. Last evaluated: 2023-11-01. Review status: criteria provided, single submitter. Criteria: Ambry Variant Classification Scheme 2023. Collection method: clinical testing. Allele origin: germline.

GeneDx
Classification: Likely benign. Last evaluated: 2018-01-08. Review status: criteria provided, single submitter. Criteria: GeneDx Variant Classification (06012015). Collection method: clinical testing. Allele origin: germline. Affected: yes.
Comment: This variant is considered likely benign or benign based on one or more of the following criteria: it is a conservative change, it occurs at a poorly conserved position in the protein, it is predicted to be benign by multiple in silico algorithms, and/or has population frequency not consistent with disease.

NM_032578.4(MYPN):c.951C>A (p.Ile317=)

Gene: MYPN (myopalladin; plus strand). Cytogenetic location: 10q21.3.
Variant type: single nucleotide variant.
Coding change: c.951C>A on transcript NM_032578.4 (MANE Select); coding-DNA position 951, C replaced by A.
Protein change: p.Ile317=; no amino-acid change (isoleucine 317 retained).
Molecular consequence: synonymous variant. On other transcripts: non-coding transcript variant (2).
Genome position (GRCh38, 1-based): chr10:68,142,988, C>A. VCF-style: chr10-68142988-C-A. GRCh37 (hg19) VCF-style: chr10-69902745-C-A.
Other names: c.951C>A, p.Ile317= (NM_001256267.2); c.69C>A, p.Ile23= (NM_001256268.2); c.951C>A (NM_032578.2).
Identifiers: ClinVar variation 514673 (VCV000514673.11), dbSNP rs759998419, ClinGen allele CA5522386.